The following is an entry in ClinVar:

ClinVar aggregate classification (germline): Pathogenic (1 of 4 stars; one submission).

Conditions:
Hereditary cancer-predisposing syndrome. Also called: Tumor predisposition; Hereditary Cancer Syndrome; Hereditary neoplastic syndrome; Neoplastic Syndromes, Hereditary. Identifiers: Orphanet 140162, MedGen C0027672, MeSH D009386, MONDO:0015356.

Submission:

Ambry Genetics
Classification: Pathogenic for Hereditary cancer-predisposing syndrome. Last evaluated: 2023-07-17. Review status: criteria provided, single submitter. Criteria: Ambry Variant Classification Scheme 2023. Collection method: clinical testing. Allele origin: germline.
Comment: The c.1285_1288delATTCinsTGA pathogenic mutation, located in coding exon 4 of the PALB2 gene, results from the deletion of 4 nucleotides and insertion of 3 nucleotides causing a translational frameshift with a predicted alternate stop codon (p.I429*). This variant is considered to be rare based on population cohorts in the Genome Aggregation Database (gnomAD). This alteration is expected to result in loss of function by premature protein truncation or nonsense-mediated mRNA decay. As such, this alteration is interpreted as a disease-causing mutation.

NM_024675.4(PALB2):c.1285_1288delinsTGA (p.Ile429_Gln430delinsTer)

Gene: PALB2 (partner and localizer of BRCA2; minus strand). Cytogenetic location: 16p12.2.
Variant type: Indel.
Coding change: c.1285_1288delinsTGA on transcript NM_024675.4 (MANE Select); coding-DNA positions 1285 to 1288, ATTC replaced by TGA.
Protein change: p.Ile429_Gln430delinsTer.
Molecular consequence: nonsense. On other transcripts: intron variant (3).
Genome position (GRCh38, 1-based): chr16:23,635,258-23,635,261, GAAT replaced by TCA on the plus strand (ATTC replaced by TGA on the coding strand, the reverse complement: PALB2 is on the minus strand). VCF-style: chr16-23635258-GAAT-TCA. GRCh37 (hg19) VCF-style: chr16-23646579-GAAT-TCA.
Other names: c.1225_1228delinsTGA, p.Ile409_Gln410delinsTer (NM_001407296.1); c.1285_1288delinsTGA, p.Ile429_Gln430delinsTer (NM_001407297.1, NM_001407298.1, NM_001407299.1 and 3 more transcripts); c.400_403delinsTGA, p.Ile134_Gln135delinsTer (NM_001407304.1, NM_001407305.1, NM_001407306.1 and 5 more transcripts); c.48+5849_48+5852delinsTGA (NM_001407314.1); c.-104-4792_-104-4789delinsTGA (NM_001407313.1, NM_001407312.1).
Identifiers: ClinVar variation 2587411 (VCV002587411.2), dbSNP rs2506482713, ClinGen allele CA2582342517.